The following is an entry in ClinVar:

ClinVar aggregate classification (germline): Uncertain significance. Review status: criteria provided, multiple submitters, no conflicts (2 of 4 stars). 3 submissions from 3 submitters: Uncertain significance (3). Last evaluated 2024-09-23.

Conditions:
Hereditary pheochromocytoma and paraganglioma. Also called: Hereditary paragangliomas and pheochromocytomas; Hereditary Paraganglioma-Pheochromocytoma Syndromes; Hereditary pheochromocytoma-paraganglioma. Identifiers: Orphanet 29072, MedGen C4274332, MONDO:0017366.
Hereditary cancer-predisposing syndrome. Also called: Tumor predisposition; Hereditary Cancer Syndrome; Hereditary neoplastic syndrome; Neoplastic Syndromes, Hereditary. Identifiers: Orphanet 140162, MedGen C0027672, MeSH D009386, MONDO:0015356.

Submissions (3):

Quest Diagnostics Nichols Institute San Juan Capistrano
Classification: Uncertain significance. Last evaluated: 2024-09-23. Review status: criteria provided, single submitter. Criteria: Quest Diagnostics criteria. Collection method: clinical testing. Allele origin: unknown.
Comment: The TMEM127 c.659A>G (p.Tyr220Cys) variant has not been reported in individuals with TMEM127-related conditions in the published literature. It also has not been reported in large, multi-ethnic general populations (Genome Aggregation Database). Analysis of this variant using bioinformatics tools for the prediction of the effect of amino acid changes on protein structure and function yielded conflicting predictions that this variant is benign or damaging. Based on the available information, we are unable to determine the clinical significance of this variant.

Ambry Genetics
Classification: Uncertain significance for Hereditary cancer-predisposing syndrome. Last evaluated: 2022-05-19. Review status: criteria provided, single submitter. Criteria: Ambry Variant Classification Scheme 2023. Collection method: clinical testing. Allele origin: germline.
Comment: The p.Y220C variant (also known as c.659A>G), located in coding exon 3 of the TMEM127 gene, results from an A to G substitution at nucleotide position 659. The tyrosine at codon 220 is replaced by cysteine, an amino acid with highly dissimilar properties. This amino acid position is conserved. In addition, the in silico prediction for this alteration is inconclusive. Since supporting evidence is limited at this time, the clinical significance of this alteration remains unclear.

Labcorp Genetics (formerly Invitae), Labcorp
Classification: Uncertain significance for Hereditary pheochromocytoma and paraganglioma. Last evaluated: 2021-11-14. Review status: criteria provided, single submitter. Criteria: Invitae Variant Classification Sherloc (09022015). Collection method: clinical testing. Allele origin: germline.
Comment: This sequence change replaces tyrosine, which is neutral and polar, with cysteine, which is neutral and slightly polar, at codon 220 of the TMEM127 protein (p.Tyr220Cys). This variant is not present in population databases (gnomAD no frequency). In summary, the available evidence is currently insufficient to determine the role of this variant in disease. Therefore, it has been classified as a Variant of Uncertain Significance. Algorithms developed to predict the effect of missense changes on protein structure and function (SIFT, PolyPhen-2, Align-GVGD) all suggest that this variant is likely to be disruptive. This variant has not been reported in the literature in individuals affected with TMEM127-related conditions.

NM_017849.4(TMEM127):c.659A>G (p.Tyr220Cys)

Gene: TMEM127 (transmembrane protein 127; minus strand). Cytogenetic location: 2q11.2.
Variant type: single nucleotide variant.
Coding change: c.659A>G on transcript NM_017849.4 (MANE Select); coding-DNA position 659, A replaced by G.
Protein change: p.Tyr220Cys; replaces tyrosine 220 with cysteine.
Molecular consequence: missense variant.
Genome position (GRCh38, 1-based): chr2:96,253,866, T>C on the plus strand (A>G on the coding strand, the complement: TMEM127 is on the minus strand). VCF-style: chr2-96253866-T-C. GRCh37 (hg19) VCF-style: chr2-96919604-T-C.
Other names: c.659A>G, p.Tyr220Cys (NM_001193304.3); short protein forms Y220C.
Identifiers: ClinVar variation 1482153 (VCV001482153.9), dbSNP rs2104283046, ClinGen allele CA347651477.
Genomic context (GRCh38, chr2:96,253,866, plus strand): 5'-CATTAGGGTGTGTAAGCAGGGGGTGGCTGGAACTGGTTGATGACCTCATATTCCGCCGGG[T>C]AGGGCTCGTTCTCTTCCATCTCTGAGAGCAGCTCCAGCGCCTGCTCCTCTTCCTCTGTGG-3'
Protein context (NP_060319.1, residues 210-230): LLSEMEENEP[Tyr220Cys]PAEYEVINQF